The following is an entry in ClinVar:

NM_001184880.2(PCDH19):c.2501A>G (p.Asn834Ser)

Genes: PCDH19 (protocadherin 19; minus strand), LOC125467768 (CDK7 strongly-dependent group 2 enhancer GRCh37_chrX:99657381-99658580; plus strand). Cytogenetic location: Xq22.1.
Variant type: single nucleotide variant.
Coding change: c.2501A>G on transcript NM_001184880.2 (MANE Select); coding-DNA position 2501, A replaced by G.
Protein change: p.Asn834Ser; replaces asparagine 834 with serine.
Molecular consequence: missense variant.
Genome position (GRCh38, 1-based): chrX:100,402,639, T>C on the plus strand (A>G on the coding strand, the complement: PCDH19 is on the minus strand). VCF-style: chrX-100402639-T-C. GRCh37 (hg19) VCF-style: chrX-99657637-T-C.
Other names: c.2360A>G, p.Asn787Ser (NM_001105243.2, NM_020766.3); short protein forms N834S, N787S.
Identifiers: ClinVar variation 849896 (VCV000849896.19), dbSNP rs766355858, ClinGen allele CA10468763.
Genomic context (GRCh38, chrX:100,402,639, plus strand): 5'-TTGAAAGAGTGATGGTAGATGTGGTTAGCACTGGTGTTGCGGGTATTCTGGTTCTCCACA[T>C]TCAGGAAAGTGCTCTCAGAGCGGCGGCAGCCCAGGGGCAGCGTCTGCTGGTGGTAGTCAA-3'
Protein context (NP_001171809.1, residues 824-844): GCRRSESTFL[Asn834Ser]VENQNTRNTS

ClinVar aggregate classification (germline): Conflicting classifications of pathogenicity. Review status: criteria provided, conflicting classifications (1 of 4 stars). 5 submissions from 5 submitters: Uncertain significance (3); Likely benign (2). Last evaluated 2025-11-01.

Conditions:
Developmental and epileptic encephalopathy, 9 (DEE9). Also called: PCDH19-Related X-Linked Female-Limited Epilepsy with Mental Retardation; EPILEPSY, FEMALE-RESTRICTED, WITH MENTAL RETARDATION; JUBERG-HELLMAN SYNDROME; Early infantile epileptic encephalopathy 9. Identifiers: Orphanet 101039, Orphanet 2076, MedGen C1848137, MONDO:0010246, OMIM 300088. Disease mechanism: loss of function.

Allele frequency attached by ClinVar (database versions not stated): gnomAD exomes 0.00002 and 0.00003; ExAC 0.00003; gnomAD 0.00013 and 0.00015; TOPMed 0.00020; 1000 Genomes Project 0.00026; 1000 Genomes Project 30x 0.00042.
gnomAD v4.1: 41 of 1,209,747 alleles (0.0034%); highest among the groups gnomAD compares: African/African-American, 0.054%; no homozygotes.

Submissions (5):

CeGaT Center for Human Genetics Tuebingen
Classification: Likely benign. Last evaluated: 2025-11-01. Review status: criteria provided, single submitter. Criteria: CeGaT Center For Human Genetics Tuebingen Variant Classification Criteria Version 2. Collection method: clinical testing. Allele origin: germline. Affected: yes. Observed: 1 variant allele.
Comment: PCDH19: BS2

Labcorp Genetics (formerly Invitae), Labcorp
Classification: Uncertain significance for Developmental and epileptic encephalopathy, 9. Last evaluated: 2025-04-12. Review status: criteria provided, single submitter. Criteria: Invitae Variant Classification Sherloc (09022015). Collection method: clinical testing. Allele origin: germline.
Comment: This sequence change replaces asparagine, which is neutral and polar, with serine, which is neutral and polar, at codon 834 of the PCDH19 protein (p.Asn834Ser). The frequency data for this variant in the population databases is considered unreliable, as metrics indicate poor data quality at this position in the gnomAD database. This variant has not been reported in the literature in individuals affected with PCDH19-related conditions. ClinVar contains an entry for this variant (Variation ID: 849896). Invitae Evidence Modeling of protein sequence and biophysical properties (such as structural, functional, and spatial information, amino acid conservation, physicochemical variation, residue mobility, and thermodynamic stability) indicates that this missense variant is not expected to disrupt PCDH19 protein function with a negative predictive value of 95%. In summary, the available evidence is currently insufficient to determine the role of this variant in disease. Therefore, it has been classified as a Variant of Uncertain Significance.

Revvity Omics, Revvity
Classification: Uncertain significance for Developmental and epileptic encephalopathy, 9. Last evaluated: 2024-06-25. Review status: criteria provided, single submitter. Criteria: ACMG Guidelines, 2015. Collection method: clinical testing. Allele origin: germline.

GeneDx
Classification: Likely benign. Last evaluated: 2020-10-26. Review status: criteria provided, single submitter. Criteria: GeneDx Variant Classification Process June 2021. Collection method: clinical testing. Allele origin: germline. Affected: yes.

New York Genome Center
Classification: Uncertain significance for Developmental and epileptic encephalopathy, 9. Last evaluated: 2020-07-02. Review status: criteria provided, single submitter. Criteria: NYGC Assertion Criteria 2020. Collection method: clinical testing. Allele origin: germline. Observed: 1 heterozygote. Study: CSER-NYCKidSeq.
Comment: The p.Asn834Ser missense variant identified in the PCDH19 gene has 0.0001325 allele frequency in the gnomAD database (14 out of 105,671 alleles, 2 hemizygotes) indicating it is a rare allele in the populations represented in gnomAD database. The affected residue is evolutionarily conserved. In silico tools provide conflicting interpretations about potential pathogenicy of this variant. Based on the available evidence, the p.Asn834Ser variant in PCDH19 is assessed as a variant of uncertain significance.